The following is an entry in ClinVar:

NM_015512.5(DNAH1):c.1912G>A (p.Asp638Asn)

Gene: DNAH1 (dynein axonemal heavy chain 1; plus strand). Cytogenetic location: 3p21.1.
Variant type: single nucleotide variant.
Coding change: c.1912G>A on transcript NM_015512.5 (MANE Select); coding-DNA position 1912, G replaced by A.
Protein change: p.Asp638Asn; replaces aspartic acid 638 with asparagine.
Molecular consequence: missense variant.
Genome position (GRCh38, 1-based): chr3:52,346,727, G>A. VCF-style: chr3-52346727-G-A. GRCh37 (hg19) VCF-style: chr3-52380743-G-A.
Other names: p.Asp638Asn; short protein forms D638N.
Identifiers: ClinVar variation 478418 (VCV000478418.32), dbSNP rs201988957, ClinGen allele CA2433082.

ClinVar aggregate classification (germline): Likely benign. Review status: criteria provided, multiple submitters, no conflicts (2 of 4 stars). 5 submissions from 5 submitters: Likely benign (4). 1 of the submissions does not count toward it. Last evaluated 2026-01-25.

Conditions:
DNAH1-related disorder. Also called: DNAH1-related condition.
Spermatogenic failure 18. Identifiers: MedGen C4539783, MONDO:0054615, OMIM 617576.
Ciliary dyskinesia, primary, 37 (CILD37). Also called: CILIARY DYSKINESIA, PRIMARY, 37, WITH OR WITHOUT SITUS INVERSUS. Identifiers: MedGen C4539798, MONDO:0033204, OMIM 617577.

Allele frequency attached by ClinVar (database versions not stated): 1000 Genomes Project 0.00040; 1000 Genomes Project 30x 0.00047; TOPMed 0.00144; gnomAD 0.00145 and 0.00148; gnomAD exomes 0.00152; ExAC 0.00154; ESP Exome Variant Server 0.00179.
gnomAD v4.1: 3,118 of 1,613,268 alleles (0.19%); highest among the groups gnomAD compares: Non-Finnish European, 0.22%; 3 homozygotes.

Submissions (5):

Labcorp Genetics (formerly Invitae), Labcorp
Classification: Likely benign for Ciliary dyskinesia, primary, 37; Spermatogenic failure 18. Last evaluated: 2026-01-25. Review status: criteria provided, single submitter. Criteria: Invitae Variant Classification Sherloc (09022015). Collection method: clinical testing. Allele origin: germline.

Mayo Clinic Laboratories, Mayo Clinic
Classification: Likely benign. Last evaluated: 2025-11-13. Review status: criteria provided, single submitter. Criteria: ACMG Guidelines, 2015. Collection method: clinical testing. Allele origin: germline. Observed: 1 variant allele.
Comment: BS1, BP4

Blueprint Genetics
Classification: Likely benign. Last evaluated: 2024-10-18. Review status: criteria provided, single submitter. Criteria: ACMG Guidelines, 2015. Collection method: clinical testing. Allele origin: germline.

CeGaT Center for Human Genetics Tuebingen
Classification: Likely benign. Last evaluated: 2024-06-01. Review status: criteria provided, single submitter. Criteria: CeGaT Center For Human Genetics Tuebingen Variant Classification Criteria Version 2. Collection method: clinical testing. Allele origin: germline. Affected: yes. Observed: 1 variant allele.
Comment: DNAH1: BP4

PreventionGenetics, part of Exact Sciences
Classification: Benign for DNAH1-related condition. Last evaluated: 2019-10-15. Review status: no assertion criteria provided. Collection method: clinical testing. Allele origin: germline. Not counted in ClinVar's aggregate classification.
Comment: This variant is classified as benign based on ACMG/AMP sequence variant interpretation guidelines (Richards et al. 2015 PMID: 25741868, with internal and published modifications).

Literature cited by the submitters: PubMed 31213628 (cited by Mayo Clinic Laboratories, Mayo Clinic).